The following is an entry in ClinVar:

ClinVar aggregate classification (germline): Uncertain significance. Review status: criteria provided, multiple submitters, no conflicts (2 of 4 stars). 2 submissions from 2 submitters: Uncertain significance (2). Last evaluated 2025-05-13.

Conditions:
Hereditary cancer-predisposing syndrome. Also called: Hereditary neoplastic syndrome; Neoplastic Syndromes, Hereditary; Tumor predisposition; Hereditary Cancer Syndrome. Identifiers: Orphanet 140162, MedGen C0027672, MeSH D009386, MONDO:0015356.

Submissions (2):

Labcorp Genetics (formerly Invitae), Labcorp
Classification: Uncertain significance. Last evaluated: 2025-05-13. Review status: criteria provided, single submitter. Criteria: Invitae Variant Classification Sherloc (09022015). Collection method: clinical testing. Allele origin: germline.
Comment: This sequence change replaces serine, which is neutral and polar, with proline, which is neutral and non-polar, at codon 1644 of the POLE protein (p.Ser1644Pro). This variant is not present in population databases (gnomAD no frequency). This variant has not been reported in the literature in individuals affected with POLE-related conditions. ClinVar contains an entry for this variant (Variation ID: 2099264). Invitae Evidence Modeling of protein sequence and biophysical properties (such as structural, functional, and spatial information, amino acid conservation, physicochemical variation, residue mobility, and thermodynamic stability) indicates that this missense variant is not expected to disrupt POLE protein function with a negative predictive value of 80%. In summary, the available evidence is currently insufficient to determine the role of this variant in disease. Therefore, it has been classified as a Variant of Uncertain Significance.

Ambry Genetics
Classification: Uncertain significance for Hereditary cancer-predisposing syndrome. Last evaluated: 2024-11-22. Review status: criteria provided, single submitter. Criteria: Ambry Variant Classification Scheme 2023. Collection method: clinical testing. Allele origin: germline.
Comment: The p.S1644P variant (also known as c.4930T>C), located in coding exon 37 of the POLE gene, results from a T to C substitution at nucleotide position 4930. The serine at codon 1644 is replaced by proline, an amino acid with similar properties. This amino acid position is conserved. In addition, the in silico prediction for this alteration is inconclusive. Based on the available evidence, the clinical significance of this variant remains unclear.

NM_006231.4(POLE):c.4930T>C (p.Ser1644Pro)

Gene: POLE (DNA polymerase epsilon, catalytic subunit; minus strand). Cytogenetic location: 12q24.33.
Variant type: single nucleotide variant.
Coding change: c.4930T>C on transcript NM_006231.4 (MANE Select); coding-DNA position 4930, T replaced by C.
Protein change: p.Ser1644Pro; replaces serine 1644 with proline.
Molecular consequence: missense variant.
Genome position (GRCh38, 1-based): chr12:132,642,528, A>G on the plus strand (T>C on the coding strand, the complement: POLE is on the minus strand). VCF-style: chr12-132642528-A-G. GRCh37 (hg19) VCF-style: chr12-133219114-A-G.
Other names: c.4930T>C (NM_006231.2); short protein forms S1644P.
Identifiers: ClinVar variation 2099264 (VCV002099264.5), dbSNP rs2138533652, ClinGen allele CA387377879.